The following is an entry in ClinVar:

NM_006767.4(LZTR1):c.28C>T (p.Gln10Ter)

Genes: LZTR1 (leucine zipper like post translational regulator 1; plus strand), LOC130067016 (ATAC-STARR-seq lymphoblastoid silent region 13504; plus strand). Cytogenetic location: 22q11.21.
Variant type: single nucleotide variant.
Coding change: c.28C>T on transcript NM_006767.4 (MANE Select); coding-DNA position 28, C replaced by T.
Protein change: p.Gln10Ter; replaces glutamine 10 with a stop codon.
Molecular consequence: nonsense.
Genome position (GRCh38, 1-based): chr22:20,982,399, C>T. VCF-style: chr22-20982399-C-T. GRCh37 (hg19) VCF-style: chr22-21336688-C-T.
Other names: short protein forms Q10*.
Identifiers: ClinVar variation 1381850 (VCV001381850.6), dbSNP rs1436794246, ClinGen allele CA410777467.

ClinVar aggregate classification (germline): Pathogenic (1 of 4 stars; one submission).

Allele frequency attached by ClinVar (database versions not stated): TOPMed below 0.00001.

Submission:

Labcorp Genetics (formerly Invitae), Labcorp
Classification: Pathogenic. Last evaluated: 2025-03-29. Review status: criteria provided, single submitter. Criteria: Invitae Variant Classification Sherloc (09022015). Collection method: clinical testing. Allele origin: germline.
Comment: This sequence change creates a premature translational stop signal (p.Gln10*) in the LZTR1 gene. It is expected to result in an absent or disrupted protein product. Loss-of-function variants in LZTR1 are known to be pathogenic (PMID: 24362817, 25335493, 25480913, 25795793, 29469822, 30368668, 30442762, 30442766, 30481304, 30859559). This variant is not present in population databases (gnomAD no frequency). This variant has not been reported in the literature in individuals affected with LZTR1-related conditions. ClinVar contains an entry for this variant (Variation ID: 1381850). For these reasons, this variant has been classified as Pathogenic.

Literature cited by the submitters: PubMed 24362817; PubMed 25335493; PubMed 25480913; PubMed 25795793; PubMed 29469822; PubMed 30368668; PubMed 30442762; PubMed 30442766; PubMed 30481304; PubMed 30859559.